The following is an entry in ClinVar:

ClinVar aggregate classification (germline): Uncertain significance (1 of 4 stars; one submission).

Submission:

GeneDx
Classification: Uncertain significance. Last evaluated: 2024-03-13. Review status: criteria provided, single submitter. Criteria: GeneDx Variant Classification Process June 2021. Collection method: clinical testing. Allele origin: germline. Affected: yes.
Comment: Not observed at significant frequency in large population cohorts (gnomAD); In silico analysis supports that this missense variant has a deleterious effect on protein structure/function; Has not been previously published as pathogenic or benign to our knowledge

NM_182641.4(BPTF):c.7763A>C (p.Gln2588Pro)

Gene: BPTF (bromodomain PHD finger transcription factor; plus strand). Cytogenetic location: 17q24.2.
Variant type: single nucleotide variant.
Coding change: c.7763A>C on transcript NM_182641.4 (MANE Select); coding-DNA position 7763, A replaced by C.
Protein change: p.Gln2588Pro; replaces glutamine 2588 with proline.
Molecular consequence: missense variant.
Genome position (GRCh38, 1-based): chr17:67,948,143, A>C. VCF-style: chr17-67948143-A-C. GRCh37 (hg19) VCF-style: chr17-65944259-A-C.
Other names: c.7712A>C, p.Gln2571Pro (NM_004459.7); short protein forms Q2571P, Q2588P.
Identifiers: ClinVar variation 3373665 (VCV003373665.1).